The following is an entry in ClinVar:

NM_005120.3(MED12):c.5074G>C (p.Glu1692Gln)

Gene: MED12 (mediator complex subunit 12; plus strand). Cytogenetic location: Xq13.1.
Variant type: single nucleotide variant.
Coding change: c.5074G>C on transcript NM_005120.3 (MANE Select); coding-DNA position 5074, G replaced by C.
Protein change: p.Glu1692Gln; replaces glutamic acid 1692 with glutamine.
Molecular consequence: missense variant.
Genome position (GRCh38, 1-based): chrX:71,136,329, G>C. VCF-style: chrX-71136329-G-C. GRCh37 (hg19) VCF-style: chrX-70356179-G-C.
Other names: short protein forms E1692Q.
Identifiers: ClinVar variation 5008094 (VCV005008094.1).

ClinVar aggregate classification (germline): Uncertain significance (1 of 4 stars; one submission).

Submission:

GeneDx
Classification: Uncertain significance. Last evaluated: 2026-03-16. Review status: criteria provided, single submitter. Criteria: GeneDx Variant Classification Process June 2021. Collection method: clinical testing. Allele origin: germline.
Comment: Not observed at significant frequency in large population cohorts (gnomAD); In silico analysis supports that this missense variant has a deleterious effect on protein structure/function; Has not been previously published as pathogenic or benign to our knowledge; In silico analysis suggests this variant may impact gene splicing. In the absence of RNA/functional studies, the actual effect of this sequence change is unknown.